The following is an entry in ClinVar:

ClinVar aggregate classification (germline): Uncertain significance. Review status: criteria provided, multiple submitters, no conflicts (2 of 4 stars). 2 submissions from 2 submitters: Uncertain significance (2). Last evaluated 2026-07-07.

Conditions:
Hereditary cancer-predisposing syndrome. Also called: Tumor predisposition; Hereditary Cancer Syndrome; Hereditary neoplastic syndrome; Neoplastic Syndromes, Hereditary. Identifiers: Orphanet 140162, MedGen C0027672, MeSH D009386, MONDO:0015356.

gnomAD v4.1: 1 of 1,594,510 alleles (0.000063%); highest among the groups gnomAD compares: Non-Finnish European, 0.000085%; no homozygotes.

Submissions (2):

Ambry Genetics
Classification: Uncertain significance for Hereditary cancer-predisposing syndrome. Last evaluated: 2026-07-07. Review status: criteria provided, single submitter. Criteria: Ambry Variant Classification Scheme 2023. Collection method: clinical testing. Allele origin: germline.
Comment: The p.I390F variant (also known as c.1168A>T), located in coding exon 12 of the NF2 gene, results from an A to T substitution at nucleotide position 1168. The isoleucine at codon 390 is replaced by phenylalanine, an amino acid with highly similar properties. This amino acid position is conserved. In addition, the in silico prediction for this alteration is inconclusive. Based on the available evidence, the clinical significance of this variant remains unclear.

GeneDx
Classification: Uncertain significance. Last evaluated: 2024-05-31. Review status: criteria provided, single submitter. Criteria: GeneDx Variant Classification Process June 2021. Collection method: clinical testing. Allele origin: germline. Affected: yes.
Comment: Not observed at significant frequency in large population cohorts (gnomAD); In silico analysis indicates that this missense variant does not alter protein structure/function; Has not been previously published as pathogenic or benign to our knowledge; This variant is associated with the following publications: (PMID: 16324214, 17134719, 22482125)

NM_000268.4(NF2):c.1168A>T (p.Ile390Phe)

Gene: NF2 (NF2, moesin-ezrin-radixin like (MERLIN) tumor suppressor; plus strand). Cytogenetic location: 22q12.2.
Variant type: single nucleotide variant.
Coding change: c.1168A>T on transcript NM_000268.4 (MANE Select); coding-DNA position 1168, A replaced by T.
Protein change: p.Ile390Phe; replaces isoleucine 390 with phenylalanine.
Molecular consequence: missense variant. On other transcripts: intron variant (1).
Genome position (GRCh38, 1-based): chr22:29,673,314, A>T. VCF-style: chr22-29673314-A-T. GRCh37 (hg19) VCF-style: chr22-30069303-A-T.
Other names: c.1054A>T, p.Ile352Phe (NM_001407053.1, NM_001407056.1); c.1045A>T, p.Ile349Phe (NM_001407054.1, NM_001407058.1, NM_181829.3); c.1042A>T, p.Ile348Phe (NM_001407055.1, NM_181828.3); c.1033A>T, p.Ile345Phe (NM_001407057.1, NM_001407059.1); c.1168A>T, p.Ile390Phe (NM_001407060.1, NM_001407066.1, NM_016418.5 and 2 more transcripts); c.910A>T, p.Ile304Phe (NM_001407062.1); c.919A>T, p.Ile307Phe (NM_001407063.1, NM_001407064.1, NM_181830.3 and 1 more transcripts); c.634A>T, p.Ile212Phe (NM_001407065.1); and 2 more; short protein forms I212F, I304F, I307F, I313F, I345F, I348F, I349F, I352F.
Identifiers: ClinVar variation 3383899 (VCV003383899.2).